The following is an entry in ClinVar:

ClinVar aggregate classification (germline): Pathogenic/Likely pathogenic. Review status: criteria provided, multiple submitters, no conflicts (2 of 4 stars). 4 submissions from 4 submitters: Pathogenic (1); Likely pathogenic (2). 1 of the submissions does not count toward it. Last evaluated 2022-12-30.

Conditions:
Familial thoracic aortic aneurysm and aortic dissection (TAAD). Also called: Thoracic aortic aneurysms and dissections. Identifiers: Orphanet 91387, MedGen C4707243, MONDO:0019625.
Marfan syndrome (MFS). Also called: Marfan syndrome type 1; Marfan syndrome, classic; Marfan's syndrome; FBN1-Related Marfan Syndrome; MARFAN SYNDROME, TYPE I. Identifiers: Orphanet 284963, Orphanet 558, MedGen C0024796, MONDO:0007947, OMIM 154700.
Marfan Syndrome/Loeys-Dietz Syndrome/Familial Thoracic Aortic Aneurysms and Dissections. Identifiers: MedGen CN229799.

Submissions (4):

Labcorp Genetics (formerly Invitae), Labcorp
Classification: Pathogenic for Marfan syndrome; Familial thoracic aortic aneurysm and aortic dissection. Last evaluated: 2022-12-30. Review status: criteria provided, single submitter. Criteria: Invitae Variant Classification Sherloc (09022015). Collection method: clinical testing. Allele origin: germline.
Comment: For these reasons, this variant has been classified as Pathogenic. This variant disrupts the p.Cys1984Arg amino acid residue in FBN1. Other variant(s) that disrupt this residue have been determined to be pathogenic (PMID: 16571647, 16905551, 17701892, 19349279). This suggests that this residue is clinically significant, and that variants that disrupt this residue are likely to be disease-causing. Advanced modeling of protein sequence and biophysical properties (such as structural, functional, and spatial information, amino acid conservation, physicochemical variation, residue mobility, and thermodynamic stability) performed at Invitae indicates that this missense variant is expected to disrupt FBN1 protein function. ClinVar contains an entry for this variant (Variation ID: 519792). This missense change has been observed in individuals with Marfan syndrome (Invitae). This variant is not present in population databases (gnomAD no frequency). This sequence change replaces cysteine, which is neutral and slightly polar, with tyrosine, which is neutral and polar, at codon 1984 of the FBN1 protein (p.Cys1984Tyr).

Women's Health and Genetics/Laboratory Corporation of America, LabCorp
Classification: Likely pathogenic for Marfan Syndrome/Loeys-Dietz Syndrome/Familial Thoracic Aortic Aneurysms and Dissections. Last evaluated: 2022-05-23. Review status: criteria provided, single submitter. Criteria: LabCorp Variant Classification Summary - May 2015. Collection method: clinical testing. Allele origin: germline.
Comment: Variant summary: FBN1 c.5951G>A (p.Cys1984Tyr) results in a non-conservative amino acid change located in the EGF-like domain (IPR000742) of the encoded protein sequence. Five of five in-silico tools predict a damaging effect of the variant on protein function. The variant was absent in 251092 control chromosomes (gnomAD). The available data on variant occurrences in the general population are insufficient to allow any conclusion about variant significance. c.5951G>A has been reported in at least one individual affected with Marfan Syndrome (UMD-FBN1 database). To our knowledge, no experimental evidence demonstrating an impact on protein function has been reported, however, the sulfhydryl group of cysteine is unique in its ability to participate in disulfide covalent cross-linkage. In fact, two-thirds of fibrillin cysteine residues exist in the half-cystinyl form, suggesting their participation in intramolecular disulfide linkage (Dietz_1992). Therefore, the substitution of a cysteine may disrupt the structure of the FBN1 protein, affecting its function. Two other variants affecting cysteine1984 residue have been classified as pathogenic within ClinVar or reported in HGMD database (c.5950T>C/p.Cys1984Arg, c.5950T>G/p.Cys1984Gly). Two ClinVar submitters have assessed the variant since 2014: both classified the variant as likely pathogenic. Based on the evidence outlined above, the variant was classified as likely pathogenic.

Ambry Genetics
Classification: Likely pathogenic for Familial thoracic aortic aneurysm and aortic dissection. Last evaluated: 2017-09-20. Review status: criteria provided, single submitter. Criteria: Ambry Variant Classification Scheme 2023. Collection method: clinical testing. Allele origin: germline.
Comment: The p.C1984Y variant (also known as c.5951G>A), located in coding exon 48 of the FBN1 gene, results from a G to A substitution at nucleotide position 5951. The cysteine at codon 1984 is replaced by tyrosine, an amino acid with highly dissimilar properties, and is located in the cbEGF-like #30 domain. This amino acid position is highly conserved in available vertebrate species. In addition, this alteration is predicted to be deleterious by in silico analysis. The majority of FBN1 mutations identified to date have involved the substitution or generation of cysteine residues within cbEGF domains (Vollbrandt T et al. J Biol Chem. 2004;279(31):32924-32931). Two alterations affecting the same cysteine, C1984R and C1984G, have been reported in individuals with Marfan syndrome (Baetens M et al. Hum. Mutat., 2011 Sep;32:1053-62; Franken R et al. Eur. Heart J., 2016 Nov;37:3285-3290). Based on the majority of available evidence to date, this variant is likely to be pathogenic.

Center for Medical Genetics Ghent, University of Ghent
Classification: Likely pathogenic for Marfan syndrome. Last evaluated: 2017-11-07. Review status: no assertion criteria provided. Collection method: clinical testing. Allele origin: germline. Affected: yes. Not counted in ClinVar's aggregate classification.

Literature cited by the submitters: PubMed 16571647 (cited by Labcorp Genetics (formerly Invitae), Labcorp); PubMed 16905551 (cited by Labcorp Genetics (formerly Invitae), Labcorp); PubMed 17701892 (cited by Labcorp Genetics (formerly Invitae), Labcorp); PubMed 19349279 (cited by Labcorp Genetics (formerly Invitae), Labcorp); PubMed 21542060 (cited by Ambry Genetics); PubMed 26787436 (cited by Ambry Genetics).

NM_000138.5(FBN1):c.5951G>A (p.Cys1984Tyr)

Gene: FBN1 (fibrillin 1; minus strand). Cytogenetic location: 15q21.1.
Variant type: single nucleotide variant.
Coding change: c.5951G>A on transcript NM_000138.5 (MANE Select); coding-DNA position 5951, G replaced by A.
Protein change: p.Cys1984Tyr; replaces cysteine 1984 with tyrosine.
Molecular consequence: missense variant.
Genome position (GRCh38, 1-based): chr15:48,444,627, C>T on the plus strand (G>A on the coding strand, the complement: FBN1 is on the minus strand). VCF-style: chr15-48444627-C-T. GRCh37 (hg19) VCF-style: chr15-48736824-C-T.
Other names: short protein forms C1984Y.
Identifiers: ClinVar variation 519792 (VCV000519792.9), dbSNP rs1555395658, ClinGen allele CA392339832.